The following is an entry in ClinVar:

NM_006642.5(SDCCAG8):c.1944G>C (p.Gln648His)

Gene: SDCCAG8 (SHH signaling and ciliogenesis regulator SDCCAG8; plus strand). Cytogenetic location: 1q43.
Variant type: single nucleotide variant.
Coding change: c.1944G>C on transcript NM_006642.5 (MANE Select); coding-DNA position 1944, G replaced by C.
Protein change: p.Gln648His; replaces glutamine 648 with histidine.
Molecular consequence: missense variant.
Genome position (GRCh38, 1-based): chr1:243,426,517, G>C. VCF-style: chr1-243426517-G-C. GRCh37 (hg19) VCF-style: chr1-243589819-G-C.
Other names: c.1041G>C, p.Gln347His (NM_001350246.2, NM_001350247.2, NM_001350251.2); c.2040G>C, p.Gln680His (NM_001350248.2); c.1650G>C, p.Gln550His (NM_001350249.2); short protein forms Q648H, Q680H, Q347H, Q550H.
Identifiers: ClinVar variation 1425755 (VCV001425755.6), dbSNP rs2148043381, ClinGen allele CA345667844.
Genomic context (GRCh38, chr1:243,426,517, plus strand): 5'-AAGGTATACATATGATAAATTGGGAAAGTTACAGAGAAGAAATGAAGAATTGGAGGAACA[G>C]TGTGTCCAGCATGGGAGAGTACATGAGACGATGAAGCAAAGGTAATCAAGGTTTCATGTC-3'
Protein context (NP_006633.1, residues 638-658): LQRRNEELEE[Gln648His]CVQHGRVHET

ClinVar aggregate classification (germline): Uncertain significance (1 of 4 stars; one submission).

Conditions:
Senior-Loken syndrome 7 (SLSN7). Identifiers: Orphanet 3156, MedGen C3150877, MONDO:0013326, OMIM 613615.
Bardet-Biedl syndrome 16 (BBS16). Identifiers: Orphanet 110, MedGen C3889474, MONDO:0014444, OMIM 615993.

Submission:

Labcorp Genetics (formerly Invitae), Labcorp
Classification: Uncertain significance for Bardet-Biedl syndrome 16; Senior-Loken syndrome 7. Last evaluated: 2023-10-03. Review status: criteria provided, single submitter. Criteria: Invitae Variant Classification Sherloc (09022015). Collection method: clinical testing. Allele origin: germline.
Comment: This sequence change replaces glutamine, which is neutral and polar, with histidine, which is basic and polar, at codon 648 of the SDCCAG8 protein (p.Gln648His). This variant is not present in population databases (gnomAD no frequency). This variant has not been reported in the literature in individuals affected with SDCCAG8-related conditions. ClinVar contains an entry for this variant (Variation ID: 1425755). Advanced modeling of protein sequence and biophysical properties (such as structural, functional, and spatial information, amino acid conservation, physicochemical variation, residue mobility, and thermodynamic stability) performed at Invitae indicates that this missense variant is expected to disrupt SDCCAG8 protein function. In summary, the available evidence is currently insufficient to determine the role of this variant in disease. Therefore, it has been classified as a Variant of Uncertain Significance.